The following is an entry in ClinVar:

ClinVar aggregate classification (germline): Uncertain significance. Review status: criteria provided, multiple submitters, no conflicts (2 of 4 stars). 11 submissions from 11 submitters: Uncertain significance (10). 1 of the submissions does not count toward it. Last evaluated 2026-01-27.

Conditions:
BARD1-related disorder. Also called: BARD1-related condition.
BARD1-related cancer predisposition. Identifiers: MedGen CN377756, MONDO:0700267.
Breast and/or ovarian cancer. Identifiers: MedGen CN221562.
Hereditary cancer-predisposing syndrome. Also called: Hereditary neoplastic syndrome; Tumor predisposition; Hereditary Cancer Syndrome; Neoplastic Syndromes, Hereditary. Identifiers: Orphanet 140162, MedGen C0027672, MeSH D009386, MONDO:0015356.
Familial cancer of breast. Also called: hereditary breast carcinoma; Hereditary breast cancer; BREAST CANCER, FAMILIAL. Identifiers: Orphanet 227535, MedGen C0346153, MONDO:0016419, OMIM 114480. Disease mechanism: loss of function.

Allele frequency attached by ClinVar (database versions not stated): ExAC 0.00002; gnomAD 0.00006.
gnomAD v4.1: 9 of 1,611,782 alleles (0.00056%); highest among the groups gnomAD compares: East Asian, 0.016%; no homozygotes.

Submissions (11):

Labcorp Genetics (formerly Invitae), Labcorp
Classification: Uncertain significance for Familial cancer of breast. Last evaluated: 2026-01-27. Review status: criteria provided, single submitter. Criteria: Invitae Variant Classification Sherloc (09022015). Collection method: clinical testing. Allele origin: germline.
Comment: This sequence change replaces arginine, which is basic and polar, with serine, which is neutral and polar, at codon 43 of the BARD1 protein (p.Arg43Ser). This variant is present in population databases (rs752871324, gnomAD 0.03%). This variant has not been reported in the literature in individuals affected with BARD1-related conditions. ClinVar contains an entry for this variant (Variation ID: 220225). An algorithm developed to predict the effect of missense changes on protein structure and function (PolyPhen-2) suggests that this variant is likely to be disruptive. In summary, the available evidence is currently insufficient to determine the role of this variant in disease. Therefore, it has been classified as a Variant of Uncertain Significance.

Color Diagnostics, LLC DBA Color Health
Classification: Uncertain significance for Hereditary cancer-predisposing syndrome. Last evaluated: 2025-06-04. Review status: criteria provided, single submitter. Criteria: ACMG Guidelines, 2015. Collection method: clinical testing. Allele origin: germline.
Comment: This missense variant replaces arginine with serine at codon 43 of the BARD1 protein. Computational prediction suggests that this variant may not impact protein structure and function. To our knowledge, functional studies have not been reported for this variant. This variant has been reported in an individual affected with breast cancer (DOI: 10.1200/JCO.2022.40.16_suppl.e22525) and an individual affected with mesothelioma (PMID: 38990952). This variant has been identified in 8/272102 chromosomes in the general population by the Genome Aggregation Database (gnomAD). The available evidence is insufficient to determine the role of this variant in disease conclusively. Therefore, this variant is classified as a Variant of Uncertain Significance.

Institute for Biomarker Research, Medical Diagnostic Laboratories, L.L.C.
Classification: Uncertain significance for Hereditary cancer-predisposing syndrome. Last evaluated: 2025-01-03. Review status: criteria provided, single submitter. Criteria: ACMG Guidelines, 2015. Collection method: clinical testing. Allele origin: germline.
Comment: The missense variant NM_000465.4(BARD1):c.127C>A (p.Arg43Ser) has not been reported previously as a pathogenic variant nor as a benign variant, to our knowledge. There is a moderate physicochemical difference between arginine and serine. The p.Arg43Ser missense variant is predicted to be damaging by both SIFT and PolyPhen2. For these reasons, this variant has been classified as Uncertain Significance

Baylor Genetics
Classification: Uncertain significance for Familial cancer of breast. Last evaluated: 2024-03-05. Review status: criteria provided, single submitter. Criteria: ACMG Guidelines, 2015. Collection method: clinical testing. Allele origin: unknown.

Department of Pathology and Laboratory Medicine, Sinai Health System
Classification: Uncertain significance for BARD1-related cancer predisposition. Last evaluated: 2024-03-01. Review status: criteria provided, single submitter. Criteria: ACMG Guidelines, 2015. Collection method: clinical testing. Allele origin: germline. Affected: yes.

Ambry Genetics
Classification: Uncertain significance for Hereditary cancer-predisposing syndrome. Last evaluated: 2024-01-10. Review status: criteria provided, single submitter. Criteria: Ambry Variant Classification Scheme 2023. Collection method: clinical testing. Allele origin: germline.
Comment: The p.R43S variant (also known as c.127C>A), located in coding exon 1 of the BARD1 gene, results from a C to A substitution at nucleotide position 127. The arginine at codon 43 is replaced by serine, an amino acid with dissimilar properties. This amino acid position is highly conserved in available vertebrate species. In addition, the in silico prediction for this alteration is inconclusive. Since supporting evidence is limited at this time, the clinical significance of this alteration remains unclear.

Myriad Genetics, Inc.
Classification: Uncertain significance for Familial cancer of breast. Last evaluated: 2023-02-24. Review status: criteria provided, single submitter. Criteria: Myriad Autosomal Dominant, Autosomal Recessive and X-Linked Classification Criteria (2023). Collection method: clinical testing. Allele origin: unknown.
Comment: This variant is classified as a variant of uncertain significance as there is insufficient evidence to determine its impact on protein function and/or cancer risk.

PreventionGenetics, part of Exact Sciences
Classification: Uncertain significance for BARD1-related condition. Last evaluated: 2023-02-08. Review status: criteria provided, single submitter. Criteria: ACMG Guidelines, 2015. Collection method: clinical testing. Allele origin: germline.
Comment: The BARD1 c.127C>A variant is predicted to result in the amino acid substitution p.Arg43Ser. To our knowledge, this variant has not been reported in the literature. This variant is reported in 0.041% of alleles in individuals of East Asian descent in gnomAD and is interpreted as uncertain significance in ClinVar. At this time, the clinical significance of this variant is uncertain due to the absence of conclusive functional and genetic evidence.

CHEO Genetics Diagnostic Laboratory, Children's Hospital of Eastern Ontario
Classification: Uncertain significance for Breast and/or ovarian cancer. Last evaluated: 2022-10-25. Review status: criteria provided, single submitter. Criteria: ACMG Guidelines, 2015. Collection method: clinical testing. Allele origin: germline.

GeneDx
Classification: Uncertain significance. Last evaluated: 2021-12-15. Review status: criteria provided, single submitter. Criteria: GeneDx Variant Classification Process June 2021. Collection method: clinical testing. Allele origin: germline. Affected: yes.
Comment: In silico analysis supports that this missense variant does not alter protein structure/function; Has not been previously published as pathogenic or benign to our knowledge; This variant is associated with the following publications: (PMID: 18480049)

Counsyl
Classification: Uncertain significance for Familial cancer of breast. Last evaluated: 2017-08-31. Review status: no assertion criteria provided. Collection method: clinical testing. Allele origin: unknown. Not counted in ClinVar's aggregate classification.

Literature cited by the submitters: PubMed 38990952 (cited by Color Diagnostics, LLC DBA Color Health).

NM_000465.4(BARD1):c.127C>A (p.Arg43Ser)

Gene: BARD1 (BRCA1 associated RING domain 1; minus strand). Cytogenetic location: 2q35.
Variant type: single nucleotide variant.
Coding change: c.127C>A on transcript NM_000465.4 (MANE Select); coding-DNA position 127, C replaced by A.
Protein change: p.Arg43Ser; replaces arginine 43 with serine.
Molecular consequence: missense variant. On other transcripts: non-coding transcript variant (3).
Genome position (GRCh38, 1-based): chr2:214,809,443, G>T on the plus strand (C>A on the coding strand, the complement: BARD1 is on the minus strand). VCF-style: chr2-214809443-G-T. GRCh37 (hg19) VCF-style: chr2-215674167-G-T.
Other names: c.127C>A, p.Arg43Ser (NM_001282543.2, NM_001282545.2, NM_001282548.2 and 1 more transcripts); short protein forms R43S.
Identifiers: ClinVar variation 220225 (VCV000220225.28), dbSNP rs752871324, ClinGen allele CA349545.